The following is an entry in ClinVar:

ClinVar aggregate classification (germline): Uncertain significance (1 of 4 stars; one submission).

Conditions:
Dilated cardiomyopathy 1G (CMD1G). Identifiers: Orphanet 154, MedGen C1858763, MONDO:0011400, OMIM 604145.
Autosomal recessive limb-girdle muscular dystrophy type 2J (LGMDR10). Also called: Limb-girdle muscular dystrophy, type 2J; MUSCULAR DYSTROPHY, LIMB-GIRDLE, AUTOSOMAL RECESSIVE 10. Identifiers: Orphanet 140922, MedGen C1837342, MONDO:0012127, OMIM 608807.

Submission:

Labcorp Genetics (formerly Invitae), Labcorp
Classification: Uncertain significance for Dilated cardiomyopathy 1G; Autosomal recessive limb-girdle muscular dystrophy type 2J. Last evaluated: 2023-08-21. Review status: criteria provided, single submitter. Criteria: Invitae Variant Classification Sherloc (09022015). Collection method: clinical testing. Allele origin: germline.
Comment: This variant is located in the I band of TTN (PMID: 25589632). Variants in this region may be clinically relevant, but have not been definitively shown to cause cardiomyopathy or neuromuscular disease (PMID: 27493940, 32778822). This sequence change replaces glutamic acid, which is acidic and polar, with lysine, which is basic and polar, at codon 8076 of the TTN protein (p.Glu8076Lys). This variant also falls at the last nucleotide of exon 83, which is part of the consensus splice site for this exon. This variant is not present in population databases (gnomAD no frequency). This variant has not been reported in the literature in individuals affected with TTN-related conditions. Experimental studies and prediction algorithms are not available or were not evaluated, and the functional significance of this variant is currently unknown. In summary, the available evidence is currently insufficient to determine the role of this variant in disease. Therefore, it has been classified as a Variant of Uncertain Significance.

Literature cited by the submitters: PubMed 25589632; PubMed 27493940; PubMed 32778822.

NM_001267550.2(TTN):c.24226G>A (p.Glu8076Lys)

Gene: TTN (titin; minus strand). Cytogenetic location: 2q31.2.
Variant type: single nucleotide variant.
Coding change: c.24226G>A on transcript NM_001267550.2 (MANE Select); coding-DNA position 24226, G replaced by A.
Protein change: p.Glu8076Lys; replaces glutamic acid 8076 with lysine.
Molecular consequence: missense variant. On other transcripts: intron variant (3).
Genome position (GRCh38, 1-based): chr2:178,719,164, C>T on the plus strand (G>A on the coding strand, the complement: TTN is on the minus strand). VCF-style: chr2-178719164-C-T. GRCh37 (hg19) VCF-style: chr2-179583891-C-T.
Other names: c.23275G>A, p.Glu7759Lys (NM_001256850.1); c.20494G>A, p.Glu6832Lys (NM_133378.4); c.13282+18918G>A (NM_003319.4); c.13858+18918G>A (NM_133437.4); c.13657+18918G>A (NM_133432.3); short protein forms E7759K, E8076K, E6832K.
Identifiers: ClinVar variation 2951153 (VCV002951153.3), dbSNP rs2529287903, ClinGen allele CA349500640.
Genomic context (GRCh38, chr2:178,719,164, plus strand): 5'-GCACCACGTCCACATGAAAGAGGTGTTAGAGAAGCAGCAGCTTTATCCTTGCACACTGAC[C>T]TTGCACAGTCAGGACTGCTGAGCACTCATCGGAACCAGCTACATTGGCAGCCACACACGT-3'
Protein context (NP_001254479.2, residues 8066-8086): DECSAVLTVQ[Glu8076Lys]PPSFEQTPDS